The following is an entry in ClinVar:

ClinVar aggregate classification (germline): Conflicting classifications of pathogenicity. Review status: criteria provided, conflicting classifications (1 of 4 stars). 4 submissions from 4 submitters: Uncertain significance (1); Benign (1); Likely benign (1). 1 of the submissions does not count toward it. Last evaluated 2025-09-02.

Conditions:
Hereditary spastic paraplegia 30. Identifiers: Orphanet 101010, MedGen C5235139, MONDO:0012476.
Intellectual disability, autosomal dominant 9 (NESCAVS). Also called: NESCAV SYNDROME; KIF1A-Related Neurodevelopmental Disorder. Identifiers: Orphanet 662367, MedGen C5393830, MONDO:0013656, OMIM 614255.
Neuropathy, hereditary sensory, type 2C. Also called: Hereditary sensory and autonomic neuropathy type IIC; KIF1A-Related HSAN2 (HSAN2C). Identifiers: Orphanet 970, MedGen C3280168, MONDO:0013634, OMIM 614213.
KIF1A-related disorder. Also called: KIF1A-related disorders; KIF1A-related condition.

Allele frequency attached by ClinVar (database versions not stated): 1000 Genomes Project 30x 0.00016; gnomAD 0.00018 and 0.00019; TOPMed 0.00018; 1000 Genomes Project 0.00020; ExAC 0.00026.
gnomAD v4.1: 105 of 1,607,108 alleles (0.0065%); highest among the groups gnomAD compares: East Asian, 0.13%; no homozygotes.

Submissions (4):

Labcorp Genetics (formerly Invitae), Labcorp
Classification: Benign for Hereditary spastic paraplegia 30; Neuropathy, hereditary sensory, type 2C; Intellectual disability, autosomal dominant 9. Last evaluated: 2025-09-02. Review status: criteria provided, single submitter. Criteria: Invitae Variant Classification Sherloc (09022015). Collection method: clinical testing. Allele origin: germline.

ARUP Laboratories, Molecular Genetics and Genomics, ARUP Laboratories
Classification: Likely benign. Last evaluated: 2022-06-22. Review status: criteria provided, single submitter. Criteria: ARUP Molecular Germline Variant Investigation Process 2021. Collection method: clinical testing. Allele origin: germline.

Genetic Services Laboratory, University of Chicago
Classification: Uncertain significance. Last evaluated: 2018-12-03. Review status: criteria provided, single submitter. Criteria: ACMG Guidelines, 2015. Collection method: clinical testing. Allele origin: germline. Affected: no.

PreventionGenetics, part of Exact Sciences
Classification: Likely benign for KIF1A-related condition. Last evaluated: 2022-01-18. Review status: no assertion criteria provided. Collection method: clinical testing. Allele origin: germline. Not counted in ClinVar's aggregate classification.
Comment: This variant is classified as likely benign based on ACMG/AMP sequence variant interpretation guidelines (Richards et al. 2015 PMID: 25741868, with internal and published modifications).

NM_001244008.2(KIF1A):c.3202+8G>A

Gene: KIF1A (kinesin family member 1A; minus strand). Cytogenetic location: 2q37.3.
Variant type: single nucleotide variant.
Coding change: c.3202+8G>A on transcript NM_001244008.2 (MANE Select); 8 bases into the intron after coding-DNA position 3202, G replaced by A.
Molecular consequence: intron variant.
Genome position (GRCh38, 1-based): chr2:240,746,031, C>T on the plus strand (G>A on the coding strand, the complement: KIF1A is on the minus strand). VCF-style: chr2-240746031-C-T. GRCh37 (hg19) VCF-style: chr2-241685448-C-T.
Other names: c.2899+8G>A (NM_001379653.1, NM_001379650.1, NM_001379640.1 and 6 more transcripts); c.3175+8G>A (NM_001379645.1, NM_001379633.1, NM_001379642.1); c.3001+8G>A (NM_001379635.1, NM_001330290.2, NM_001379646.1 and 1 more transcripts); c.3151+8G>A (NM_001379632.1); c.2974+8G>A (NM_001379637.1, NM_001379648.1); c.2926+8G>A (NM_001320705.2, NM_001379638.1, NM_001330289.2); c.3277+8G>A (NM_001379631.1); c.3202+8G>A (NM_001244008.1).
Identifiers: ClinVar variation 703095 (VCV000703095.16), dbSNP rs371620074, ClinGen allele CA2207886.